The following is an entry in ClinVar:

NM_000136.3(FANCC):c.1640C>T (p.Ala547Val)

Genes: AOPEP (aminopeptidase O (putative); plus strand), FANCC (FA complementation group C; minus strand). Cytogenetic location: 9q22.32.
Variant type: single nucleotide variant.
Coding change: c.1640C>T on transcript NM_000136.3 (MANE Select); coding-DNA position 1640, C replaced by T.
Protein change: p.Ala547Val; replaces alanine 547 with valine.
Molecular consequence: missense variant.
Genome position (GRCh38, 1-based): chr9:95,101,744, G>A on the plus strand (C>T on the coding strand, the complement: FANCC is on the minus strand). VCF-style: chr9-95101744-G-A. GRCh37 (hg19) VCF-style: chr9-97864026-G-A.
Other names: c.1640C>T, p.Ala547Val (NM_001243743.2); short protein forms A547V.
Identifiers: ClinVar variation 949953 (VCV000949953.10), dbSNP rs2071083482, ClinGen allele CA374104321.

ClinVar aggregate classification (germline): Uncertain significance. Review status: criteria provided, multiple submitters, no conflicts (2 of 4 stars). 3 submissions from 3 submitters: Uncertain significance (3). Last evaluated 2025-05-02.

Conditions:
Fanconi anemia (FA). Also called: Fanconi's anemia. Identifiers: Orphanet 84, MedGen C0015625, MeSH D005199, MONDO:0019391.
Hereditary cancer-predisposing syndrome. Also called: Tumor predisposition; Hereditary neoplastic syndrome; Neoplastic Syndromes, Hereditary; Hereditary Cancer Syndrome. Identifiers: Orphanet 140162, MedGen C0027672, MeSH D009386, MONDO:0015356.

Allele frequency attached by ClinVar (database versions not stated): gnomAD exomes below 0.00001.
gnomAD v4.1: 5 of 1,614,102 alleles (0.00031%); highest among the groups gnomAD compares: Non-Finnish European, 0.00042%; no homozygotes.

Submissions (3):

Labcorp Genetics (formerly Invitae), Labcorp
Classification: Uncertain significance for Fanconi anemia. Last evaluated: 2025-05-02. Review status: criteria provided, single submitter. Criteria: Invitae Variant Classification Sherloc (09022015). Collection method: clinical testing. Allele origin: germline.
Comment: This sequence change replaces alanine, which is neutral and non-polar, with valine, which is neutral and non-polar, at codon 547 of the FANCC protein (p.Ala547Val). This variant is not present in population databases (gnomAD no frequency). This variant has not been reported in the literature in individuals affected with FANCC-related conditions. ClinVar contains an entry for this variant (Variation ID: 949953). Invitae Evidence Modeling of protein sequence and biophysical properties (such as structural, functional, and spatial information, amino acid conservation, physicochemical variation, residue mobility, and thermodynamic stability) indicates that this missense variant is not expected to disrupt FANCC protein function with a negative predictive value of 80%. In summary, the available evidence is currently insufficient to determine the role of this variant in disease. Therefore, it has been classified as a Variant of Uncertain Significance.

Ambry Genetics
Classification: Uncertain significance for Hereditary cancer-predisposing syndrome. Last evaluated: 2025-04-17. Review status: criteria provided, single submitter. Criteria: Ambry Variant Classification Scheme 2023. Collection method: clinical testing. Allele origin: germline.
Comment: The p.A547V variant (also known as c.1640C>T), located in coding exon 14 of the FANCC gene, results from a C to T substitution at nucleotide position 1640. The alanine at codon 547 is replaced by valine, an amino acid with similar properties. This amino acid position is well conserved in available vertebrate species. In addition, this alteration is predicted to be tolerated by in silico analysis. Since supporting evidence is limited at this time, the clinical significance of this alteration remains unclear.

GeneDx
Classification: Uncertain significance. Last evaluated: 2024-07-16. Review status: criteria provided, single submitter. Criteria: GeneDx Variant Classification Process June 2021. Collection method: clinical testing. Allele origin: germline. Affected: yes.
Comment: Not observed at significant frequency in large population cohorts (gnomAD); In silico analysis indicates that this missense variant does not alter protein structure/function; Has not been previously published as pathogenic or benign to our knowledge; This variant is associated with the following publications: (PMID: Gordon2000[Book])